The following is an entry in ClinVar:

NM_001048174.2(MUTYH):c.1103-3C>G

Gene: MUTYH (mutY DNA glycosylase; minus strand). Cytogenetic location: 1p34.1.
Variant type: single nucleotide variant.
Coding change: c.1103-3C>G on transcript NM_001048174.2 (MANE Select); 3 bases into the intron before coding-DNA position 1103, C replaced by G.
Molecular consequence: intron variant.
Genome position (GRCh38, 1-based): chr1:45,331,559, G>C on the plus strand (C>G on the coding strand, the complement: MUTYH is on the minus strand). VCF-style: chr1-45331559-G-C. GRCh37 (hg19) VCF-style: chr1-45797231-G-C.
Other names: c.1103-3C>G (NM_001407072.1, NM_001407073.1, NM_001048171.2 and 6 more transcripts); c.758-3C>G (NM_001350651.2, NM_001350650.2, NM_001407082.1); c.827-3C>G (NM_001293192.2, NM_001293196.2, NM_001407091.1); c.1148-3C>G (NM_001293190.2); c.1136-3C>G (NM_001407069.1, NM_001407077.1, NM_001293191.2); c.1178-3C>G (NM_012222.3); c.1187-3C>G (NM_001128425.2); c.1106-3C>G (NM_001407071.1, NM_001048172.2, NM_001407078.1 and 1 more transcripts); and 5 more.
Identifiers: ClinVar variation 3297038 (VCV003297038.3).
Genomic context (GRCh38, chr1:45,331,559, plus strand): 5'-AGCTGCTCTGAGGGCTCCCAGGTCACGGACGGGAACTCCCACAGTCCTGCCAGCAGACCT[G>C]AGAGGGAGGGCAGCCAGGCAGGGGTCAGGCCTCAGCTGCCGATTCCCTCCATTCTCTCTT-3'

ClinVar aggregate classification (germline): Uncertain significance. Review status: criteria provided, multiple submitters, no conflicts (2 of 4 stars). 2 submissions from 2 submitters: Uncertain significance (2). Last evaluated 2026-03-05.

Conditions:
Hereditary cancer-predisposing syndrome. Also called: Hereditary neoplastic syndrome; Tumor predisposition; Hereditary Cancer Syndrome; Neoplastic Syndromes, Hereditary. Identifiers: Orphanet 140162, MedGen C0027672, MeSH D009386, MONDO:0015356.

Submissions (2):

Dasa
Classification: Uncertain significance. Last evaluated: 2026-03-05. Review status: criteria provided, single submitter. Criteria: DASA Assertion Criteria. Collection method: clinical testing. Allele origin: germline.
Comment: NM_001048174.2(MUTYH):c.1103-3C>G is a splice-region variant. This variant affects a splice-region context with prior evidence supporting clinical relevance. This variant is rare in population databases. Computational prediction algorithms are consistent with a deleterious effect. The currently available literature and clinical evidence are not sufficient to establish a definitive association between this variant and the reported condition. Therefore, this variant is classified as a variant of uncertain significance.

Ambry Genetics
Classification: Uncertain significance for Hereditary cancer-predisposing syndrome. Last evaluated: 2024-03-15. Review status: criteria provided, single submitter. Criteria: Ambry Variant Classification Scheme 2023. Collection method: clinical testing. Allele origin: germline.
Comment: The c.1187-3C>G intronic variant results from a C to G substitution 3 nucleotides upstream from coding exon 13 in the MUTYH gene. This nucleotide position is well conserved in available vertebrate species. In silico splice site analysis predicts that this alteration will result in the creation or strengthening of a novel splice acceptor site. Based on the available evidence, the clinical significance of this alteration remains unclear.